The following is an entry in ClinVar:

NM_001379270.1(CNGA1):c.461T>C (p.Ile154Thr)

Genes: CNGA1 (cyclic nucleotide gated channel subunit alpha 1; minus strand), LOC101927157 (uncharacterized LOC101927157; plus strand). Cytogenetic location: 4p12.
Variant type: single nucleotide variant.
Coding change: c.461T>C on transcript NM_001379270.1 (MANE Select); coding-DNA position 461, T replaced by C.
Protein change: p.Ile154Thr; replaces isoleucine 154 with threonine.
Molecular consequence: missense variant.
Genome position (GRCh38, 1-based): chr4:47,942,125, A>G on the plus strand (T>C on the coding strand, the complement: CNGA1 is on the minus strand). VCF-style: chr4-47942125-A-G. GRCh37 (hg19) VCF-style: chr4-47944142-A-G.
Other names: c.461T>C, p.Ile154Thr (NM_000087.5, NM_001142564.2); short protein forms I154T.
Identifiers: ClinVar variation 1059862 (VCV001059862.6), dbSNP rs2110139659, ClinGen allele CA356831758.

ClinVar aggregate classification (germline): Uncertain significance (1 of 4 stars; one submission).

Allele frequency attached by ClinVar (database versions not stated): gnomAD exomes 0.00001.

Submission:

Labcorp Genetics (formerly Invitae), Labcorp
Classification: Uncertain significance. Last evaluated: 2021-08-27. Review status: criteria provided, single submitter. Criteria: Invitae Variant Classification Sherloc (09022015). Collection method: clinical testing. Allele origin: germline.
Comment: This sequence change replaces isoleucine with threonine at codon 158 of the CNGA1 protein (p.Ile158Thr). The isoleucine residue is moderately conserved and there is a moderate physicochemical difference between isoleucine and threonine. This variant is not present in population databases (ExAC no frequency). This variant has not been reported in the literature in individuals affected with CNGA1-related conditions. Algorithms developed to predict the effect of missense changes on protein structure and function are either unavailable or do not agree on the potential impact of this missense change (SIFT: "Deleterious"; PolyPhen-2: "Possibly Damaging"; Align-GVGD: "Class C0"). In summary, the available evidence is currently insufficient to determine the role of this variant in disease. Therefore, it has been classified as a Variant of Uncertain Significance.